The following is an entry in ClinVar:

ClinVar aggregate classification (germline): Uncertain significance (1 of 4 stars; one submission).

Conditions:
Hereditary cancer-predisposing syndrome. Also called: Neoplastic Syndromes, Hereditary; Hereditary neoplastic syndrome; Tumor predisposition; Hereditary Cancer Syndrome. Identifiers: Orphanet 140162, MedGen C0027672, MeSH D009386, MONDO:0015356.

Submission:

Ambry Genetics
Classification: Uncertain significance for Hereditary cancer-predisposing syndrome. Last evaluated: 2015-04-16. Review status: criteria provided, single submitter. Criteria: Ambry Variant Classification Scheme 2023. Collection method: clinical testing. Allele origin: germline.
Comment: The p.P3A variant (also known as c.7C>G), located in coding exon 1 of the MUTYH gene, results from a C to G substitution at nucleotide position 7. The proline at codon 3 is replaced by alanine, an amino acid with highly similar properties. This variant was not reported in population based cohorts in the following databases: Database of Single Nucleotide Polymorphisms (dbSNP), NHLBI Exome Sequencing Project (ESP), and 1000 Genomes Project. In the ESP, this variant was not observed in 6503 samples (13006 alleles) with coverage at this position. To date, this alteration has been detected with an allele frequency of approximately 0.001% (greater than 75000 alleles tested) in our clinical cohort. Based on protein sequence alignment, this amino acid position is moderately conserved in available vertebrate species. In addition, this alteration is predicted to be tolerated by in silico analysis. Since supporting evidence is limited at this time, the clinical significance of p.P3A remains unclear.

NM_001128425.2(MUTYH):c.7C>G (p.Pro3Ala)

Genes: TOE1 (target of EGR1, exonuclease; plus strand), MUTYH (mutY DNA glycosylase; minus strand). Cytogenetic location: 1p34.1.
Variant type: single nucleotide variant.
Coding change: c.7C>G on transcript NM_001128425.2 (MANE Plus Clinical); coding-DNA position 7, C replaced by G.
Protein change: p.Pro3Ala; replaces proline 3 with alanine.
Molecular consequence: missense variant. On other transcripts: 5 prime UTR variant (8), non-coding transcript variant (3).
Genome position (GRCh38, 1-based): chr1:45,340,248, G>C on the plus strand (C>G on the coding strand, the complement: MUTYH is on the minus strand). VCF-style: chr1-45340248-G-C. GRCh37 (hg19) VCF-style: chr1-45805920-G-C.
Other names: c.-5G>C (NM_025077.4); c.-36C>G (NM_001048171.2); c.7C>G, p.Pro3Ala (NM_001293190.2, NM_001407069.1, NM_001407073.1 and 1 more transcripts); c.-248C>G (NM_001293192.2); c.-307C>G (NM_001350650.2); c.-243C>G (NM_001350651.2); c.-52C>G (NM_001407070.1, NM_001407071.1); c.-32C>G (NM_001407072.1); short protein forms P3A.
Identifiers: ClinVar variation 231322 (VCV000231322.7), dbSNP rs876659091, ClinGen allele CA10577757.
Genomic context (GRCh38, chr1:45,340,248, plus strand): 5'-CGCCAGGAGACGGACCGCAAGTCCAGCGTACCCACAGACGACTCAGGCGGGAGACGAGCG[G>C]TGTCATGGCCGCCGACAGTGACGATGGCGCAGTTTCAGCTCCCGCAGCTTCCGACGGTGA-3'
Protein context (NP_001121897.1, residues 1-13): MT[Pro3Ala]LVSRLSRLWA